The following is an entry in ClinVar:

ClinVar aggregate classification (germline): Uncertain significance. Review status: criteria provided, multiple submitters, no conflicts (2 of 4 stars). 2 submissions from 2 submitters: Uncertain significance (2). Last evaluated 2026-09-30.

Conditions:
Left ventricular noncompaction 8 (LVNC8). Identifiers: Orphanet 154, Orphanet 54260, MedGen C3809288, MONDO:0014152, OMIM 615373.

Allele frequency attached by ClinVar (database versions not stated): gnomAD exomes 0.00001 and 0.00002; gnomAD 0.00002 and 0.00001; ExAC 0.00002; TOPMed 0.00001; ESP Exome Variant Server 0.00008.
gnomAD v4.1: 7 of 1,612,184 alleles (0.00043%); highest among the groups gnomAD compares: Non-Finnish European, 0.00059%; no homozygotes.

Submissions (2):

GeneDx
Classification: Uncertain significance. Last evaluated: 2026-09-30. Review status: criteria provided, single submitter. Criteria: GeneDx Variant Classification Process June 2021. Collection method: clinical testing. Allele origin: germline.
Comment: Not observed at significant frequency in large population cohorts (gnomAD); In silico analysis supports that this missense variant has a deleterious effect on protein structure/function; Has not been previously published as pathogenic or benign to our knowledge

Labcorp Genetics (formerly Invitae), Labcorp
Classification: Uncertain significance for Left ventricular noncompaction 8. Last evaluated: 2025-08-26. Review status: criteria provided, single submitter. Criteria: Invitae Variant Classification Sherloc (09022015). Collection method: clinical testing. Allele origin: germline.
Comment: This sequence change replaces aspartic acid, which is acidic and polar, with histidine, which is basic and polar, at codon 77 of the PRDM16 protein (p.Asp77His). This variant is present in population databases (rs374449916, gnomAD 0.004%). This variant has not been reported in the literature in individuals affected with PRDM16-related conditions. ClinVar contains an entry for this variant (Variation ID: 2717226). An algorithm developed to predict the effect of missense changes on protein structure and function (PolyPhen-2) suggests that this variant is likely to be disruptive. In summary, the available evidence is currently insufficient to determine the role of this variant in disease. Therefore, it has been classified as a Variant of Uncertain Significance.

NM_022114.4(PRDM16):c.229G>C (p.Asp77His)

Gene: PRDM16 (PR/SET domain 16; plus strand). Cytogenetic location: 1p36.32.
Variant type: single nucleotide variant.
Coding change: c.229G>C on transcript NM_022114.4 (MANE Select); coding-DNA position 229, G replaced by C.
Protein change: p.Asp77His; replaces aspartic acid 77 with histidine.
Molecular consequence: missense variant.
Genome position (GRCh38, 1-based): chr1:3,186,316, G>C. VCF-style: chr1-3186316-G-C. GRCh37 (hg19) VCF-style: chr1-3102880-G-C.
Other names: c.229G>C, p.Asp77His (NM_199454.3); c.229G>C (NM_022114.3); short protein forms D77H.
Identifiers: ClinVar variation 2717226 (VCV002717226.6), dbSNP rs374449916, ClinGen allele CA543730.